The following is an entry in ClinVar:

ClinVar aggregate classification (germline): Likely benign. Review status: criteria provided, multiple submitters, no conflicts (2 of 4 stars). 2 submissions from 2 submitters: Likely benign (2). Last evaluated 2024-11-15.

Allele frequency attached by ClinVar (database versions not stated): gnomAD below 0.00001 and 0.00013; TOPMed 0.00003; gnomAD exomes 0.00033 and 0.00071; 1000 Genomes Project 30x 0.00125; ExAC 0.00139; 1000 Genomes Project 0.00140.
gnomAD v4.1: 495 of 1,597,148 alleles (0.031%); highest among the groups gnomAD compares: South Asian, 0.53%; 9 homozygotes.

Submissions (2):

Blueprint Genetics
Classification: Likely benign. Last evaluated: 2024-11-15. Review status: criteria provided, single submitter. Criteria: ACMG Guidelines, 2015. Collection method: clinical testing. Allele origin: germline.

GeneDx
Classification: Likely benign. Last evaluated: 2017-12-12. Review status: criteria provided, single submitter. Criteria: GeneDx Variant Classification (06012015). Collection method: clinical testing. Allele origin: germline. Affected: yes.
Comment: This variant is considered likely benign or benign based on one or more of the following criteria: it is a conservative change, it occurs at a poorly conserved position in the protein, it is predicted to be benign by multiple in silico algorithms, and/or has population frequency not consistent with disease.

NM_004522.3(KIF5C):c.1363-17C>T

Gene: KIF5C (kinesin family member 5C; plus strand). Cytogenetic location: 2q23.1.
Variant type: single nucleotide variant.
Coding change: c.1363-17C>T on transcript NM_004522.3 (MANE Select); 17 bases into the intron before coding-DNA position 1363, C replaced by T.
Molecular consequence: intron variant.
Genome position (GRCh38, 1-based): chr2:148,981,338, C>T. VCF-style: chr2-148981338-C-T. GRCh37 (hg19) VCF-style: chr2-149837852-C-T.
Identifiers: ClinVar variation 513937 (VCV000513937.2), dbSNP rs551780813, ClinGen allele CA1901452.